The following is an entry in ClinVar:

ClinVar aggregate classification (germline): Uncertain significance (1 of 4 stars; one submission).

Conditions:
GRHL3-related disorder. Also called: GRHL3-related condition.

gnomAD v4.1: 1 of 1,613,784 alleles (0.000062%); highest among the groups gnomAD compares: South Asian, 0.0011%; no homozygotes.

Submission:

PreventionGenetics, part of Exact Sciences
Classification: Uncertain significance for GRHL3-related condition. Last evaluated: 2026-09-11. Review status: criteria provided, single submitter. Criteria: ACMG Guidelines, 2015. Collection method: clinical testing. Allele origin: germline.
Comment: The GRHL3 c.1772T>C variant is predicted to result in the amino acid substitution p.Leu591Pro. To our knowledge, this variant has not been reported in the literature or in a large population database (gnomAD), indicating this variant is rare. At this time, the clinical significance of this variant is uncertain due to the absence of conclusive functional and genetic evidence.

NM_198173.3(GRHL3):c.1772T>C (p.Leu591Pro)

Gene: GRHL3 (grainyhead like transcription factor 3; plus strand). Cytogenetic location: 1p36.11.
Variant type: single nucleotide variant.
Coding change: c.1772T>C on transcript NM_198173.3 (MANE Select); coding-DNA position 1772, T replaced by C.
Protein change: p.Leu591Pro; replaces leucine 591 with proline.
Molecular consequence: missense variant. On other transcripts: intron variant (1).
Genome position (GRCh38, 1-based): chr1:24,354,451, T>C. VCF-style: chr1-24354451-T-C. GRCh37 (hg19) VCF-style: chr1-24680941-T-C.
Other names: c.1634T>C, p.Leu545Pro (NM_001195010.2); c.1787T>C, p.Leu596Pro (NM_021180.4); c.1694+4329T>C (NM_198174.3); short protein forms L545P, L591P, L596P.
Identifiers: ClinVar variation 4982274 (VCV004982274.1).
Genomic context (GRCh38, chr1:24,354,451, plus strand): 5'-ACAACAACATCATTCAGCATTACAGCAACCACGTCGCCTTCCTGCTGGACATGGGGGAGC[T>C]GGACGGCAAAATTCAGATCATCCTTAAGGAGCTGTAAGGCCTCTCGAGCATCCAAACCCT-3'
Protein context (NP_937816.1, residues 581-601): HVAFLLDMGE[Leu591Pro]DGKIQIILKE